The following is an entry in ClinVar:

NM_024715.4(TXNDC15):c.103+836del

Gene: TXNDC15 (thioredoxin domain containing 15; plus strand). Cytogenetic location: 5q31.1.
Variant type: Deletion.
Coding change: c.103+836del on transcript NM_024715.4 (MANE Select); 836 bases into the intron after coding-DNA position 103, one base deleted (A; older notation c.103+836delA).
Molecular consequence: intron variant.
Genome position (GRCh38, 1-based): chr5:134,875,366, A deleted. VCF-style (leftmost placement, unchanged base first): chr5-134875365-GA-G. GRCh37 (hg19) VCF-style: chr5-134211055-GA-G.
Other names: c.-102+883del (NM_001350735.2).
Identifiers: ClinVar variation 2655710 (VCV002655710.24), dbSNP rs556892469, ClinGen allele CA3416759.

ClinVar aggregate classification (germline): Benign (1 of 4 stars; one submission).

Allele frequency attached by ClinVar (database versions not stated): 1000 Genomes Project 0.00240; 1000 Genomes Project 30x 0.00344; gnomAD 0.00495; TOPMed 0.00502; gnomAD exomes 0.00785; ExAC 0.01133.

Submission:

CeGaT Center for Human Genetics Tuebingen
Classification: Benign. Last evaluated: 2023-01-01. Review status: criteria provided, single submitter. Criteria: CeGaT Center For Human Genetics Tuebingen Variant Classification Criteria Version 2. Collection method: clinical testing. Allele origin: germline. Affected: yes. Observed: 1 variant allele.
Comment: TXNDC15: BS1, BS2